The following is an entry in ClinVar:

ClinVar aggregate classification (germline): Pathogenic/Likely pathogenic. Review status: criteria provided, multiple submitters, no conflicts (2 of 4 stars). 3 submissions from 3 submitters: Pathogenic (1); Likely pathogenic (2). Last evaluated 2023-04-11.

Conditions:
Hereditary insensitivity to pain with anhidrosis (CIPA). Also called: NEUROPATHY, CONGENITAL SENSORY, WITH ANHIDROSIS; HSAN Type IV; FAMILIAL DYSAUTONOMIA, TYPE II; NTRK1 Congenital Insensitivity to Pain with Anhidrosis; hereditary sensory and autonomic neuropathy type 4; INSENSITIVITY TO PAIN, CONGENITAL, WITH ANHIDROSIS. Identifiers: Orphanet 642, MedGen C0020074, MONDO:0009746, OMIM 256800.

gnomAD v4.1: 3 of 1,614,164 alleles (0.00019%); highest among the groups gnomAD compares: Non-Finnish European, 0.00025%; no homozygotes.

Submissions (3):

Genome-Nilou Lab
Classification: Likely pathogenic for Hereditary insensitivity to pain with anhidrosis. Last evaluated: 2023-04-11. Review status: criteria provided, single submitter. Criteria: ACMG Guidelines, 2015. Collection method: clinical testing. Allele origin: germline. Affected: no.

Labcorp Genetics (formerly Invitae), Labcorp
Classification: Likely pathogenic for Hereditary insensitivity to pain with anhidrosis. Last evaluated: 2022-03-12. Review status: criteria provided, single submitter. Criteria: Invitae Variant Classification Sherloc (09022015). Collection method: clinical testing. Allele origin: germline.
Comment: ClinVar contains an entry for this variant (Variation ID: 209177). In summary, the currently available evidence indicates that the variant is pathogenic, but additional data are needed to prove that conclusively. Therefore, this variant has been classified as Likely Pathogenic. Algorithms developed to predict the effect of sequence changes on RNA splicing suggest that this variant may disrupt the consensus splice site. Disruption of this splice site has been observed in individual(s) with clinical features of NTRK1-related conditions (PMID: 26633545). This variant is not present in population databases (gnomAD no frequency). This sequence change affects an acceptor splice site in intron 3 of the NTRK1 gene. It is expected to disrupt RNA splicing. Variants that disrupt the donor or acceptor splice site typically lead to a loss of protein function (PMID: 16199547), and loss-of-function variants in NTRK1 are known to be pathogenic (PMID: 10982191).

Baylor Genetics
Classification: Pathogenic for Hereditary insensitivity to pain with anhidrosis. Last evaluated: 2014-06-10. Review status: criteria provided, single submitter. Criteria: Yang et al. 2013. Collection method: clinical testing. Allele origin: maternal. Inheritance: Autosomal recessive inheritance. Affected: yes. Observed: 1 variant allele, 1 compound heterozygote. Study: Adult_WES.

Literature cited by the submitters: PubMed 26633545 (cited by Labcorp Genetics (formerly Invitae), Labcorp and Baylor Genetics); PubMed 16199547 (cited by Labcorp Genetics (formerly Invitae), Labcorp); PubMed 10982191 (cited by Labcorp Genetics (formerly Invitae), Labcorp).

NM_002529.4(NTRK1):c.360-2A>C

Gene: NTRK1 (neurotrophic receptor tyrosine kinase 1; plus strand). Cytogenetic location: 1q23.1.
Variant type: single nucleotide variant.
Coding change: c.360-2A>C on transcript NM_002529.4 (MANE Select); the canonical splice acceptor site of the intron before coding-DNA position 360, A replaced by C.
Molecular consequence: splice acceptor variant.
Genome position (GRCh38, 1-based): chr1:156,866,908, A>C. VCF-style: chr1-156866908-A-C. GRCh37 (hg19) VCF-style: chr1-156836700-A-C.
Other names: c.270-2A>C (NM_001007792.1); c.360-2A>C (NM_001012331.2).
Identifiers: ClinVar variation 209177 (VCV000209177.8), dbSNP rs797045059, ClinGen allele CA276147.